The following is an entry in ClinVar:

NM_000466.3(PEX1):c.2699T>G (p.Met900Arg)

Gene: PEX1 (peroxisomal biogenesis factor 1; minus strand). Cytogenetic location: 7q21.2.
Variant type: single nucleotide variant.
Coding change: c.2699T>G on transcript NM_000466.3 (MANE Select); coding-DNA position 2699, T replaced by G.
Protein change: p.Met900Arg; replaces methionine 900 with arginine.
Molecular consequence: missense variant.
Genome position (GRCh38, 1-based): chr7:92,499,723, A>C on the plus strand (T>G on the coding strand, the complement: PEX1 is on the minus strand). VCF-style: chr7-92499723-A-C. GRCh37 (hg19) VCF-style: chr7-92129037-A-C.
Other names: c.2528T>G, p.Met843Arg (NM_001282677.2); c.2075T>G, p.Met692Arg (NM_001282678.2); short protein forms M900R, M843R, M692R.
Identifiers: ClinVar variation 5007941 (VCV005007941.1).

ClinVar aggregate classification (germline): Uncertain significance (1 of 4 stars; one submission).

Submission:

GeneDx
Classification: Uncertain significance. Last evaluated: 2026-02-24. Review status: criteria provided, single submitter. Criteria: GeneDx Variant Classification Process June 2021. Collection method: clinical testing. Allele origin: germline.
Comment: Not observed at significant frequency in large population cohorts (gnomAD); In silico analysis supports that this missense variant has a deleterious effect on protein structure/function; Has not been previously published as pathogenic or benign to our knowledge